The following is an entry in ClinVar:

NM_213655.5(WNK1):c.3086_3087del (p.Pro1029fs)

Gene: WNK1 (WNK lysine deficient protein kinase 1; plus strand). Cytogenetic location: 12p13.33.
Variant type: Deletion.
Coding change: c.3086_3087del on transcript NM_213655.5 (MANE Plus Clinical); coding-DNA positions 3086 to 3087, 2 bases deleted (CT; older notation c.3086_3087delCT).
Protein change: p.Pro1029fs; shifts the reading frame from proline 1029.
Molecular consequence: frameshift variant. On other transcripts: intron variant (2).
Genome position (GRCh38, 1-based): chr12:868,557-868,558, CT deleted. VCF-style (leftmost placement, unchanged base first): chr12-868556-CCT-C. GRCh37 (hg19) VCF-style: chr12-977722-CCT-C.
Other names: c.2831_2832del, p.Pro944fs (NM_001184985.2); c.2140-2708_2140-2707del (NM_018979.4, NM_014823.3); short protein forms P1029fs, P944fs.
Identifiers: ClinVar variation 2107370 (VCV002107370.4), dbSNP rs2548796140, ClinGen allele CA2580086221.

ClinVar aggregate classification (germline): Pathogenic (1 of 4 stars; one submission).

Conditions:
Neuropathy, hereditary sensory and autonomic, type 2A (HSAN2A). Also called: ACROOSTEOLYSIS, GIACCAI TYPE; ACROOSTEOLYSIS, NEUROGENIC; MORVAN DISEASE; NEUROPATHY, CONGENITAL SENSORY; NEUROPATHY, HEREDITARY SENSORY RADICULAR, AUTOSOMAL RECESSIVE; NEUROPATHY, HEREDITARY SENSORY, TYPE IIA. Identifiers: Orphanet 970, MedGen C2752089, MONDO:0024309, OMIM 201300.
Pseudohypoaldosteronism type 2C (PHA2C). Also called: Pseudohypoaldosteronism Type IIC. Identifiers: Orphanet 757, Orphanet 88940, MedGen C1840391, MONDO:0013778, OMIM 614492.

Submission:

Labcorp Genetics (formerly Invitae), Labcorp
Classification: Pathogenic for Neuropathy, hereditary sensory and autonomic, type 2A; Pseudohypoaldosteronism type 2C. Last evaluated: 2023-04-05. Review status: criteria provided, single submitter. Criteria: Invitae Variant Classification Sherloc (09022015). Collection method: clinical testing. Allele origin: germline.
Comment: For these reasons, this variant has been classified as Pathogenic. ClinVar contains an entry for this variant (Variation ID: 2107370). This variant has not been reported in the literature in individuals affected with WNK1-related conditions. This variant is not present in population databases (gnomAD no frequency). This sequence change creates a premature translational stop signal (p.Pro1029Argfs*14) in the WNK1 gene. It is expected to result in an absent or disrupted protein product. Loss-of-function variants in WNK1 are known to be pathogenic (PMID: 22910560).

Literature cited by the submitters: PubMed 22910560.